The following is an entry in ClinVar:

ClinVar aggregate classification (germline): Uncertain significance (1 of 4 stars; one submission).

Submission:

GeneDx
Classification: Uncertain significance. Last evaluated: 2025-06-02. Review status: criteria provided, single submitter. Criteria: GeneDx Variant Classification Process June 2021. Collection method: clinical testing. Allele origin: germline. Affected: yes.
Comment: Not observed at significant frequency in large population cohorts (gnomAD); In silico analysis suggests that this missense variant does not alter protein structure/function; Has not been previously published as pathogenic or benign to our knowledge

NM_205768.3(ZBTB18):c.743T>C (p.Val248Ala)

Gene: ZBTB18 (zinc finger and BTB domain containing 18; plus strand). Cytogenetic location: 1q44.
Variant type: single nucleotide variant.
Coding change: c.743T>C on transcript NM_205768.3 (MANE Select); coding-DNA position 743, T replaced by C.
Protein change: p.Val248Ala; replaces valine 248 with alanine.
Molecular consequence: missense variant. On other transcripts: intron variant (1).
Genome position (GRCh38, 1-based): chr1:244,054,517, T>C. VCF-style: chr1-244054517-T-C. GRCh37 (hg19) VCF-style: chr1-244217819-T-C.
Other names: c.716T>C, p.Val239Ala (NM_001278196.2, NM_006352.5); c.701+42T>C (NM_001421566.1); short protein forms V239A, V248A.
Identifiers: ClinVar variation 4536536 (VCV004536536.1).